The following is an entry in ClinVar:

ClinVar aggregate classification (germline): Uncertain significance. Review status: criteria provided, multiple submitters, no conflicts (2 of 4 stars). 2 submissions from 2 submitters: Uncertain significance (2). Last evaluated 2023-09-30.

Conditions:
Familial juvenile hyperuricemic nephropathy type 1 (ADTKD1). Also called: Glomerulocystic kidney disease with hyperuricemia and isosthenuria; Medullary cystic kidney disease 2; Autosomal Dominant Tubulointerstitial Kidney Disease – UMOD; UMOD-Associated Kidney Disease; Uromodulin-associated kidney disease. Identifiers: Orphanet 209886, Orphanet 34149, Orphanet 88950, MedGen C4551496, MONDO:0008073, OMIM 162000.

gnomAD v4.1: 1 of 1,613,248 alleles (0.000062%); highest among the groups gnomAD compares: Non-Finnish European, 0.000085%; no homozygotes.

Submissions (2):

Labcorp Genetics (formerly Invitae), Labcorp
Classification: Uncertain significance. Last evaluated: 2023-09-30. Review status: criteria provided, single submitter. Criteria: Invitae Variant Classification Sherloc (09022015). Collection method: clinical testing. Allele origin: germline.
Comment: In summary, the available evidence is currently insufficient to determine the role of this variant in disease. Therefore, it has been classified as a Variant of Uncertain Significance. Variants that disrupt the consensus splice site are a relatively common cause of aberrant splicing (PMID: 17576681, 9536098). Algorithms developed to predict the effect of sequence changes on RNA splicing suggest that this variant may disrupt the consensus splice site. ClinVar contains an entry for this variant (Variation ID: 318290). This variant has not been reported in the literature in individuals affected with UMOD-related conditions. This variant is not present in population databases (gnomAD no frequency). This sequence change falls in intron 5 of the UMOD gene. It does not directly change the encoded amino acid sequence of the UMOD protein. It affects a nucleotide within the consensus splice site.

Illumina Laboratory Services, Illumina
Classification: Uncertain significance for UMOD-Associated Kidney Disease. Last evaluated: 2018-01-12. Review status: criteria provided, single submitter. Criteria: ICSL Variant Classification Criteria 13 December 2019. Collection method: clinical testing. Allele origin: germline.

Literature cited by the submitters: PubMed 17576681 (cited by Labcorp Genetics (formerly Invitae), Labcorp); PubMed 9536098 (cited by Labcorp Genetics (formerly Invitae), Labcorp).

NM_003361.4(UMOD):c.1182+5G>T

Gene: UMOD (uromodulin; minus strand). Cytogenetic location: 16p12.3.
Variant type: single nucleotide variant.
Coding change: c.1182+5G>T on transcript NM_003361.4 (MANE Select); 5 bases into the intron after coding-DNA position 1182, G replaced by T.
Molecular consequence: intron variant.
Genome position (GRCh38, 1-based): chr16:20,346,121, C>A on the plus strand (G>T on the coding strand, the complement: UMOD is on the minus strand). VCF-style: chr16-20346121-C-A. GRCh37 (hg19) VCF-style: chr16-20357443-C-A.
Other names: c.1182+5G>T (NM_001008389.3, NM_001378234.1, NM_001378235.1 and 3 more transcripts); c.1281+5G>T (NM_001278614.2).
Identifiers: ClinVar variation 318290 (VCV000318290.11), dbSNP rs755374625, ClinGen allele CA10637313.